The following is an entry in ClinVar:

NM_003072.5(SMARCA4):c.1205T>C (p.Ile402Thr)

Gene: SMARCA4 (SWI/SNF related BAF chromatin remodeling complex subunit ATPase 4; plus strand). Cytogenetic location: 19p13.2.
Variant type: single nucleotide variant.
Coding change: c.1205T>C on transcript NM_003072.5 (MANE Select); coding-DNA position 1205, T replaced by C.
Protein change: p.Ile402Thr; replaces isoleucine 402 with threonine.
Molecular consequence: missense variant. On other transcripts: non-coding transcript variant (1).
Genome position (GRCh38, 1-based): chr19:10,989,403, T>C. VCF-style: chr19-10989403-T-C. GRCh37 (hg19) VCF-style: chr19-11100079-T-C.
Other names: c.1205T>C, p.Ile402Thr (NM_001128844.3, NM_001128845.2, NM_001128846.2 and 5 more transcripts); short protein forms I402T.
Identifiers: ClinVar variation 665921 (VCV000665921.18), dbSNP rs1599996370, ClinGen allele CA404059686.
Genomic context (GRCh38, chr19:10,989,403, plus strand): 5'-TTCAGGAACTTGAAAACCTTCCCGGGTCCCTGGCCGGGGATTTGCGAACCAAAGCGACCA[T>C]TGAGCTCAAGGCCCTCAGGCTGCTGAACTTCCAGAGGCAGGTGGGTGCTGGCATGGCCGC-3'
Protein context (NP_003063.2, residues 392-412): LAGDLRTKAT[Ile402Thr]ELKALRLLNF

ClinVar aggregate classification (germline): Uncertain significance. Review status: criteria provided, multiple submitters, no conflicts (2 of 4 stars). 3 submissions from 3 submitters: Uncertain significance (3). Last evaluated 2025-12-13.

Conditions:
Intellectual disability, autosomal dominant 16 (CSS4). Also called: COFFIN-SIRIS SYNDROME 4. Identifiers: Orphanet 1465, MedGen C3553249, MONDO:0013821, OMIM 614609.
Hereditary cancer-predisposing syndrome. Also called: Tumor predisposition; Hereditary neoplastic syndrome; Neoplastic Syndromes, Hereditary; Hereditary Cancer Syndrome. Identifiers: Orphanet 140162, MedGen C0027672, MeSH D009386, MONDO:0015356.
Rhabdoid tumor predisposition syndrome 2 (RTPS2). Identifiers: Orphanet 231108, Orphanet 69077, MedGen C2750074, MONDO:0013224, OMIM 613325.

Allele frequency attached by ClinVar (database versions not stated): gnomAD exomes below 0.00001.
gnomAD v4.1: 1 of 1,614,186 alleles (0.000062%); highest among the groups gnomAD compares: Non-Finnish European, 0.000085%; no homozygotes.

Submissions (3):

Labcorp Genetics (formerly Invitae), Labcorp
Classification: Uncertain significance for Rhabdoid tumor predisposition syndrome 2. Last evaluated: 2025-12-13. Review status: criteria provided, single submitter. Criteria: Invitae Variant Classification Sherloc (09022015). Collection method: clinical testing. Allele origin: germline.
Comment: This sequence change replaces isoleucine, which is neutral and non-polar, with threonine, which is neutral and polar, at codon 402 of the SMARCA4 protein (p.Ile402Thr). This variant is not present in population databases (gnomAD no frequency). This variant has not been reported in the literature in individuals affected with SMARCA4-related conditions. ClinVar contains an entry for this variant (Variation ID: 665921). Invitae Evidence Modeling of protein sequence and biophysical properties (such as structural, functional, and spatial information, amino acid conservation, physicochemical variation, residue mobility, and thermodynamic stability) indicates that this missense variant is not expected to disrupt SMARCA4 protein function with a negative predictive value of 95%. In summary, the available evidence is currently insufficient to determine the role of this variant in disease. Therefore, it has been classified as a Variant of Uncertain Significance.

Ambry Genetics
Classification: Uncertain significance for Hereditary cancer-predisposing syndrome. Last evaluated: 2024-08-15. Review status: criteria provided, single submitter. Criteria: Ambry Variant Classification Scheme 2023. Collection method: clinical testing. Allele origin: germline.
Comment: The p.I402T variant (also known as c.1205T>C), located in coding exon 6 of the SMARCA4 gene, results from a T to C substitution at nucleotide position 1205. The isoleucine at codon 402 is replaced by threonine, an amino acid with similar properties. This amino acid position is highly conserved in available vertebrate species. In addition, this alteration is predicted to be deleterious by in silico analysis. Based on the available evidence, the clinical significance of this variant remains unclear.

Genome-Nilou Lab
Classification: Uncertain significance for Intellectual disability, autosomal dominant 16. Last evaluated: 2021-07-15. Review status: criteria provided, single submitter. Criteria: ACMG Guidelines, 2015. Collection method: clinical testing. Allele origin: germline. Affected: no.